The following is an entry in ClinVar:

NM_182972.3(IRF2BP2):c.1487C>G (p.Ser496Cys)

Gene: IRF2BP2 (interferon regulatory factor 2 binding protein 2; minus strand). Cytogenetic location: 1q42.3.
Variant type: single nucleotide variant.
Coding change: c.1487C>G on transcript NM_182972.3 (MANE Select); coding-DNA position 1487, C replaced by G.
Protein change: p.Ser496Cys; replaces serine 496 with cysteine.
Molecular consequence: missense variant.
Genome position (GRCh38, 1-based): chr1:234,607,414, G>C on the plus strand (C>G on the coding strand, the complement: IRF2BP2 is on the minus strand). VCF-style: chr1-234607414-G-C. GRCh37 (hg19) VCF-style: chr1-234743160-G-C.
Other names: c.1439C>G, p.Ser480Cys (NM_001077397.1); short protein forms S480C, S496C.
Identifiers: ClinVar variation 2843632 (VCV002843632.3), dbSNP rs2528513819, ClinGen allele CA345305428.

ClinVar aggregate classification (germline): Uncertain significance (1 of 4 stars; one submission).

Submission:

Labcorp Genetics (formerly Invitae), Labcorp
Classification: Uncertain significance. Last evaluated: 2023-03-08. Review status: criteria provided, single submitter. Criteria: Invitae Variant Classification Sherloc (09022015). Collection method: clinical testing. Allele origin: germline.
Comment: In summary, the available evidence is currently insufficient to determine the role of this variant in disease. Therefore, it has been classified as a Variant of Uncertain Significance. An algorithm developed to predict the effect of missense changes on protein structure and function (PolyPhen-2) suggests that this variant is likely to be disruptive. This variant has not been reported in the literature in individuals affected with IRF2BP2-related conditions. This variant is not present in population databases (gnomAD no frequency). This sequence change replaces serine, which is neutral and polar, with cysteine, which is neutral and slightly polar, at codon 496 of the IRF2BP2 protein (p.Ser496Cys).